The following is an entry in ClinVar:

NM_001848.3(COL6A1):c.1959C>G (p.Phe653Leu)

Gene: COL6A1 (collagen type VI alpha 1 chain; plus strand). Cytogenetic location: 21q22.3.
Variant type: single nucleotide variant.
Coding change: c.1959C>G on transcript NM_001848.3 (MANE Select); coding-DNA position 1959, C replaced by G.
Protein change: p.Phe653Leu; replaces phenylalanine 653 with leucine.
Molecular consequence: missense variant.
Genome position (GRCh38, 1-based): chr21:46,001,963, C>G. VCF-style: chr21-46001963-C-G. GRCh37 (hg19) VCF-style: chr21-47421877-C-G.
Other names: short protein forms F653L.
Identifiers: ClinVar variation 644411 (VCV000644411.9), dbSNP rs112104768, ClinGen allele CA10070700.

ClinVar aggregate classification (germline): Uncertain significance (1 of 4 stars; one submission).

Conditions:
Bethlem myopathy 1A. Also called: Bethlem Muscular Dystrophy; Bethlem myopathy 1; MYOPATHY, BENIGN CONGENITAL, WITH CONTRACTURES. Identifiers: Orphanet 610, MedGen CN029274, MONDO:0024530, OMIM 158810.

gnomAD v4.1: 11 of 1,611,928 alleles (0.00068%); highest among the groups gnomAD compares: South Asian, 0.012%; 1 homozygote.

Submission:

Labcorp Genetics (formerly Invitae), Labcorp
Classification: Uncertain significance for Bethlem myopathy 1A. Last evaluated: 2022-07-19. Review status: criteria provided, single submitter. Criteria: Invitae Variant Classification Sherloc (09022015). Collection method: clinical testing. Allele origin: germline.
Comment: In summary, the available evidence is currently insufficient to determine the role of this variant in disease. Therefore, it has been classified as a Variant of Uncertain Significance. Algorithms developed to predict the effect of missense changes on protein structure and function are either unavailable or do not agree on the potential impact of this missense change (SIFT: "Deleterious"; PolyPhen-2: "Probably Damaging"; Align-GVGD: "Class C0"). ClinVar contains an entry for this variant (Variation ID: 644411). This variant has not been reported in the literature in individuals affected with COL6A1-related conditions. This variant is present in population databases (rs112104768, gnomAD 0.007%). This sequence change replaces phenylalanine, which is neutral and non-polar, with leucine, which is neutral and non-polar, at codon 653 of the COL6A1 protein (p.Phe653Leu).